The following is an entry in ClinVar:

NM_015041.3(CLUAP1):c.562G>A (p.Ala188Thr)

Gene: CLUAP1 (clusterin associated protein 1; plus strand). Cytogenetic location: 16p13.3.
Variant type: single nucleotide variant.
Coding change: c.562G>A on transcript NM_015041.3 (MANE Select); coding-DNA position 562, G replaced by A.
Protein change: p.Ala188Thr; replaces alanine 188 with threonine.
Molecular consequence: missense variant.
Genome position (GRCh38, 1-based): chr16:3,515,574, G>A. VCF-style: chr16-3515574-G-A. GRCh37 (hg19) VCF-style: chr16-3565574-G-A.
Other names: c.562G>A, p.Ala188Thr (NM_001330454.2); c.64G>A, p.Ala22Thr (NM_024793.3); short protein forms A22T, A188T.
Identifiers: ClinVar variation 1960406 (VCV001960406.5), dbSNP rs1218754953, ClinGen allele CA394513031.

ClinVar aggregate classification (germline): Uncertain significance (1 of 4 stars; one submission).

gnomAD v4.1: 10 of 1,592,006 alleles (0.00063%); highest among the groups gnomAD compares: Admixed American, 0.0094%; no homozygotes.

Submission:

Labcorp Genetics (formerly Invitae), Labcorp
Classification: Uncertain significance. Last evaluated: 2024-08-29. Review status: criteria provided, single submitter. Criteria: Invitae Variant Classification Sherloc (09022015). Collection method: clinical testing. Allele origin: germline.
Comment: This sequence change replaces alanine, which is neutral and non-polar, with threonine, which is neutral and polar, at codon 188 of the CLUAP1 protein (p.Ala188Thr). This variant is not present in population databases (gnomAD no frequency). This variant has not been reported in the literature in individuals affected with CLUAP1-related conditions. ClinVar contains an entry for this variant (Variation ID: 1960406). Invitae Evidence Modeling of protein sequence and biophysical properties (such as structural, functional, and spatial information, amino acid conservation, physicochemical variation, residue mobility, and thermodynamic stability) indicates that this missense variant is not expected to disrupt CLUAP1 protein function with a negative predictive value of 80%. In summary, the available evidence is currently insufficient to determine the role of this variant in disease. Therefore, it has been classified as a Variant of Uncertain Significance.